The following is an entry in ClinVar:

ClinVar aggregate classification (germline): Uncertain significance (1 of 4 stars; one submission).

Submission:

GeneDx
Classification: Uncertain significance. Last evaluated: 2023-05-26. Review status: criteria provided, single submitter. Criteria: GeneDx Variant Classification Process June 2021. Collection method: clinical testing. Allele origin: germline. Affected: yes.
Comment: Not observed at significant frequency in large population cohorts (gnomAD); In silico analysis supports that this missense variant has a deleterious effect on protein structure/function; Has not been previously published as pathogenic or benign to our knowledge

NM_001375524.1(TRRAP):c.1774C>T (p.Leu592Phe)

Gene: TRRAP (transformation/transcription domain associated protein; plus strand). Cytogenetic location: 7q22.1.
Variant type: single nucleotide variant.
Coding change: c.1774C>T on transcript NM_001375524.1 (MANE Select); coding-DNA position 1774, C replaced by T.
Protein change: p.Leu592Phe; replaces leucine 592 with phenylalanine.
Molecular consequence: missense variant.
Genome position (GRCh38, 1-based): chr7:98,910,569, C>T. VCF-style: chr7-98910569-C-T. GRCh37 (hg19) VCF-style: chr7-98508192-C-T.
Other names: c.1774C>T, p.Leu592Phe (NM_001244580.2, NM_003496.4); short protein forms L592F.
Identifiers: ClinVar variation 3362165 (VCV003362165.1).
Genomic context (GRCh38, chr7:98,910,569, plus strand): 5'-GAAGCTCAGTTCATTCCCAACAAGCAGTTACAACCCAAAGAGACACAGATTTACATCAAA[C>T]TTGTGAAATATGCAATGCAAGCTTTAGATATTTATCAGGTAAGGAAGTGCCCTCCAGCCA-3'
Protein context (NP_001362453.1, residues 582-602): QPKETQIYIK[Leu592Phe]VKYAMQALDI